The following is an entry in ClinVar:

ClinVar aggregate classification (germline): Uncertain significance (1 of 4 stars; one submission).

Submission:

GeneDx
Classification: Uncertain significance. Last evaluated: 2026-02-03. Review status: criteria provided, single submitter. Criteria: GeneDx Variant Classification Process June 2021. Collection method: clinical testing. Allele origin: germline.
Comment: Not observed at significant frequency in large population cohorts (gnomAD); In silico analysis suggests that this missense variant does not alter protein structure/function; Has not been previously published as pathogenic or benign to our knowledge

NM_005811.5(GDF11):c.897C>G (p.Asn299Lys)

Gene: GDF11 (growth differentiation factor 11; plus strand). Cytogenetic location: 12q13.2.
Variant type: single nucleotide variant.
Coding change: c.897C>G on transcript NM_005811.5 (MANE Select); coding-DNA position 897, C replaced by G.
Protein change: p.Asn299Lys; replaces asparagine 299 with lysine.
Molecular consequence: missense variant.
Genome position (GRCh38, 1-based): chr12:55,749,555, C>G. VCF-style: chr12-55749555-C-G. GRCh37 (hg19) VCF-style: chr12-56143339-C-G.
Other names: short protein forms N299K.
Identifiers: ClinVar variation 4976154 (VCV004976154.1).